The following is an entry in ClinVar:

ClinVar aggregate classification (germline): Uncertain significance (1 of 4 stars; one submission).

Conditions:
Hereditary spastic paraplegia 30. Identifiers: Orphanet 101010, MedGen C5235139, MONDO:0012476.
Neuropathy, hereditary sensory, type 2C. Also called: KIF1A-Related HSAN2 (HSAN2C); Hereditary sensory and autonomic neuropathy type IIC. Identifiers: Orphanet 970, MedGen C3280168, MONDO:0013634, OMIM 614213.
Intellectual disability, autosomal dominant 9 (NESCAVS). Also called: KIF1A-Related Neurodevelopmental Disorder; NESCAV SYNDROME. Identifiers: Orphanet 662367, MedGen C5393830, MONDO:0013656, OMIM 614255.

Allele frequency attached by ClinVar (database versions not stated): gnomAD exomes below 0.00001.
gnomAD v4.1: 1 of 1,613,898 alleles (0.000062%); highest among the groups gnomAD compares: Non-Finnish European, 0.000085%; no homozygotes.

Submission:

Labcorp Genetics (formerly Invitae), Labcorp
Classification: Uncertain significance for Hereditary spastic paraplegia 30; Neuropathy, hereditary sensory, type 2C; Intellectual disability, autosomal dominant 9. Last evaluated: 2021-08-14. Review status: criteria provided, single submitter. Criteria: Invitae Variant Classification Sherloc (09022015). Collection method: clinical testing. Allele origin: germline.
Comment: This sequence change replaces isoleucine with valine at codon 731 of the KIF1A protein (p.Ile731Val). The isoleucine residue is highly conserved and there is a small physicochemical difference between isoleucine and valine. This variant is not present in population databases (ExAC no frequency). This variant has not been reported in the literature in individuals affected with KIF1A-related conditions. Advanced modeling of protein sequence and biophysical properties (such as structural, functional, and spatial information, amino acid conservation, physicochemical variation, residue mobility, and thermodynamic stability) performed at Invitae indicates that this missense variant is not expected to disrupt KIF1A protein function. In summary, the available evidence is currently insufficient to determine the role of this variant in disease. Therefore, it has been classified as a Variant of Uncertain Significance.

NM_001244008.2(KIF1A):c.2218A>G (p.Ile740Val)

Gene: KIF1A (kinesin family member 1A; minus strand). Cytogenetic location: 2q37.3.
Variant type: single nucleotide variant.
Coding change: c.2218A>G on transcript NM_001244008.2 (MANE Select); coding-DNA position 2218, A replaced by G.
Protein change: p.Ile740Val; replaces isoleucine 740 with valine.
Molecular consequence: missense variant.
Genome position (GRCh38, 1-based): chr2:240,761,276, T>C on the plus strand (A>G on the coding strand, the complement: KIF1A is on the minus strand). VCF-style: chr2-240761276-T-C. GRCh37 (hg19) VCF-style: chr2-241700693-T-C.
Other names: c.2218A>G, p.Ile740Val (NM_001320705.2, NM_001330289.2, NM_001379638.1); c.2293A>G, p.Ile765Val (NM_001330290.2, NM_001379631.1, NM_001379634.1 and 2 more transcripts); c.2191A>G, p.Ile731Val (NM_001379632.1, NM_001379633.1, NM_001379636.1 and 10 more transcripts); c.2266A>G, p.Ile756Val (NM_001379637.1, NM_001379648.1); short protein forms I765V, I731V, I740V, I756V.
Identifiers: ClinVar variation 1485352 (VCV001485352.6), dbSNP rs2125894030, ClinGen allele CA351325413.
Genomic context (GRCh38, chr2:240,761,276, plus strand): 5'-GTGGGCAGCCCACCTTCTTTTTCAGCTCCACGCTGATGGCATTGGCCTCCTTGAGGAAGA[T>C]GGCGTTGCCCCACAGCAGGTCCCGCAGAGACGTGAACTGGTACCACTTCCACTTCCGGAA-3'
Protein context (NP_001230937.1, residues 730-750): SLRDLLWGNA[Ile740Val]FLKEANAISV